The following is an entry in ClinVar:

ClinVar aggregate classification (germline): Pathogenic. Review status: criteria provided, multiple submitters, no conflicts (2 of 4 stars). 13 submissions from 13 submitters: Pathogenic (12). 1 of the submissions does not count toward it. Last evaluated 2026-06-24.

Conditions:
SLC12A3-related disorder. Also called: SLC12A3-related condition.
Familial hypokalemia-hypomagnesemia (GTLMNS). Also called: gitelman syndrome; HYPOMAGNESEMIA-HYPOKALEMIA, PRIMARY RENOTUBULAR, WITH HYPOCALCIURIA; POTASSIUM AND MAGNESIUM DEPLETION. Identifiers: Orphanet 358, MedGen C0268450, MONDO:0009904, OMIM 263800.

Allele frequency attached by ClinVar (database versions not stated): gnomAD 0.00001 and 0.00007; TOPMed 0.00001; gnomAD exomes 0.00006 and 0.00021; ExAC 0.00010; 1000 Genomes Project 30x 0.00047; 1000 Genomes Project 0.00060.
gnomAD v4.1: 301 of 1,613,866 alleles (0.019%); highest among the groups gnomAD compares: East Asian, 0.67%; 1 homozygote.

Submissions (13):

PreventionGenetics, part of Exact Sciences
Classification: Pathogenic for SLC12A3-related condition. Last evaluated: 2026-06-24. Review status: criteria provided, single submitter. Criteria: ACMG Guidelines, 2015. Collection method: clinical testing. Allele origin: germline.
Comment: The SLC12A3 c.2573T>A variant is predicted to result in the amino acid substitution p.Leu858His. This variant has been reported in multiple patients with Gitelman syndrome (see for example, Monkawa et al. 2000. PubMed ID: 10616841; Fujimura et al. 2018. PubMed ID: 30596175; Yagi et al. 2011. PubMed ID: 21628937). Functional studies demonstrate that the p.Leu858His change significantly reduces sodium uptake of the SLC12A3 protein, resulting in a loss-of-function effect (Naraba et al. 2005. PubMed ID: 16471174). This variant is reported in 0.076% of alleles in individuals of East Asian descent in gnomAD. This variant is interpreted as pathogenic.

Dasa
Classification: Pathogenic. Last evaluated: 2026-03-24. Review status: criteria provided, single submitter. Criteria: DASA Assertion Criteria. Collection method: clinical testing. Allele origin: germline.
Comment: NM_001126108.2(SLC12A3):c.2546T>A (p.Leu849His) is a missense variant that results in the substitution of leucine with histidine. The affected residue or protein region has prior evidence supporting clinical relevance. This variant has been observed in affected individuals with related phenotype in a genotype context consistent with recessive disease (PMID: 12911530; PMID: 33328404; PMID: 30596175). This variant has been recurrently observed in individuals with related phenotype (PMID: 12911530; PMID: 33328404; PMID: 30596175). Multiple computational predictions support a deleterious effect on the gene or gene product. The variant is present at low frequency in population datasets. Based on the available data, this variant is classified as pathogenic.

3billion
Classification: Pathogenic for Familial hypokalemia-hypomagnesemia. Last evaluated: 2026-01-16. Review status: criteria provided, single submitter. Criteria: ACMG Guidelines, 2015. Collection method: clinical testing. Allele origin: germline. Affected: yes.
Comment: The variant is observed at an extremely low frequency in the gnomAD v4.1.0 dataset (total allele frequency: 0.019%). Predicted Consequence/Location: Missense variant Functional studies provide strong evidence of the variant having a damaging effect on the gene or gene product (PMID: 16471174). In silico tool predictions suggest damaging effect of the variant on gene or gene product [REVEL: 0.78 (>=0.6, sensitivity 0.68 and specificity 0.92)]. The same nucleotide change resulting in the same amino acid change has been previously reported as pathogenic/likely pathogenic with strong evidence (ClinVar ID: VCV000225470 /PMID: 10616841 /3billion dataset). The variant has been reported to be in trans with a pathogenic variant as either compound heterozygous or homozygous in at least 2 similarly affected unrelated individuals (PMID: 15069170, 21628937, 26770037). The variant has been reported to co-segregate with the disease in at least one similarly affected relative/individual in the same family or similarly affected unrelated families (PMID: 15069170). Different missense changes at the same codon (p.Leu849Phe, p.Leu849Pro) have been reported to be associated with SLC12A3-related disorder (ClinVar ID: VCV002736354 /PMID: 22009145, 37702302). Therefore, this variant is classified as Pathogenic according to the recommendation of ACMG/AMP guideline.

Natera, Inc.
Classification: Pathogenic for Gitelman syndrome. Last evaluated: 2025-09-16. Review status: criteria provided, single submitter. Criteria: Natera Variant Classification Schema (03/2026). Collection method: clinical testing. Allele origin: germline.
Comment: The c.2573T>A variant in SLC12A3 is a missense variant predicted to cause substitution of leucine to histidine at amino acid 858. This variant is rare in the general population with a frequency below the threshold expected for the associated phenotype(s). This variant has been observed in one or more individuals affected with the associated recessive disease, as either homozygous or compound heterozygous with a second variant (PMID: 21757836, 19508680). Computational prediction algorithms indicate this variant is likely to affect gene or protein function. Given the available evidence, this variant is classified as Pathogenic.

GeneDx
Classification: Pathogenic. Last evaluated: 2025-04-04. Review status: criteria provided, single submitter. Criteria: GeneDx Variant Classification Process June 2021. Collection method: clinical testing. Allele origin: germline.
Comment: Published functional studies demonstrate a damaging effect as p.(L858H) results in loss-of-function (Naraba et al., 2005); In silico analysis supports that this missense variant has a deleterious effect on protein structure/function; This variant is associated with the following publications: (PMID: 17873326, 19489442, 16471174, 35785516, 33328404, 21757836, 26041598, 27173320, 32884933, 30596175, 15069170, 10616841, 21628937, 31105122, 26770037, 23756661, 15198479, 33163079, 33348466, 22802996, 34373523)

Fulgent Genetics
Classification: Pathogenic for Familial hypokalemia-hypomagnesemia. Last evaluated: 2024-03-14. Review status: criteria provided, single submitter. Criteria: ACMG Guidelines, 2015. Collection method: clinical testing. Allele origin: germline.

Labcorp Genetics (formerly Invitae), Labcorp
Classification: Pathogenic. Last evaluated: 2024-03-13. Review status: criteria provided, single submitter. Criteria: Invitae Variant Classification Sherloc (09022015). Collection method: clinical testing. Allele origin: germline.
Comment: This sequence change replaces leucine, which is neutral and non-polar, with histidine, which is basic and polar, at codon 858 of the SLC12A3 protein (p.Leu858His). This variant is present in population databases (rs185927948, gnomAD 0.09%). This missense change has been observed in individual(s) with SLC12A3-related conditions (PMID: 15069170, 21628937, 21757836, 26041598, 26770037). In at least one individual the data is consistent with being in trans (on the opposite chromosome) from a pathogenic variant. This variant is also known as p.Leu849His. ClinVar contains an entry for this variant (Variation ID: 225470). Advanced modeling of protein sequence and biophysical properties (such as structural, functional, and spatial information, amino acid conservation, physicochemical variation, residue mobility, and thermodynamic stability) performed at Invitae indicates that this missense variant is expected to disrupt SLC12A3 protein function with a positive predictive value of 95%. Experimental studies have shown that this missense change affects SLC12A3 function (PMID: 16471174). For these reasons, this variant has been classified as Pathogenic.

Blueprint Genetics
Classification: Pathogenic for SLC12A3-related disorders. Last evaluated: 2024-01-15. Review status: criteria provided, single submitter. Criteria: ACMG Guidelines, 2015. Collection method: clinical testing. Allele origin: germline. Affected: yes. Observed: 5 variant alleles.

Genome-Nilou Lab
Classification: Pathogenic for Familial hypokalemia-hypomagnesemia. Last evaluated: 2021-07-15. Review status: criteria provided, single submitter. Criteria: ACMG Guidelines, 2015. Collection method: clinical testing. Allele origin: germline. Affected: no.

Illumina Laboratory Services, Illumina
Classification: Pathogenic for Familial hypokalemia-hypomagnesemia. Last evaluated: 2017-04-28. Review status: criteria provided, single submitter. Criteria: ICSL Variant Classification Criteria 09 May 2019. Collection method: clinical testing. Allele origin: germline.
Comment: Across a selection of the available literature, the SLC12A3 c.2573T>A (p.Leu858His) variant, also known as c.2579T>A (p.Leu849His), has been reported in 10 studies and is found in a total of 13 patients with Gitelman syndrome, including two in a homozygous state, eight in a compound heterozygous state, and three in a heterozygous state where the second variant could not be identified (Monkawa et al. 2000; Fukuyama et al. 2003; Maki et al. 2004; Aoi et al. 2007; Tsutsui et al. 2011; Yagi et al. 2011; Imashuku et al. 2012; Ishimori et al. 2013; Miao et al. 2016; Mizokami et al. 2016). The p.Leu858His variant was absent from 400 control chromosomes in some studies (Monkawa et al. 2000; Fukuyama et al. 2003; Maki et al. 2004), however, the variant was detected in 47 out of 1852 healthy Japanese subjects in a heterozygous state (Tago et al. 2004) and is reported at a frequency of 0.01442 in the Japanese in Tokyo, Japan cohort of the 1000 Genomes Project. While this frequency is high, it is in alignment with the increased prevalence of Gitelman syndrome in Japan. In functional studies, sodium uptake of the p.Leu858His variant protein was found to be significantly reduced when expressed and evaluated in CHO cells, indicating that the p.Leu858His variant leads to loss of function (Naraba et al. 2005). Based on the evidence, the p.Leu858His variant is classified as pathogenic for Gitelman syndrome. This variant was observed by ICSL as part of a predisposition screen in an ostensibly healthy population.

Athena Diagnostics
Classification: Pathogenic. Last evaluated: 2016-04-01. Review status: criteria provided, single submitter. Criteria: Athena Diagnostics Criteria. Collection method: clinical testing. Allele origin: germline.

Juno Genomics, Hangzhou Juno Genomics, Inc
Classification: Pathogenic for Familial hypokalemia-hypomagnesemia. Review status: criteria provided, single submitter. Criteria: ACMG Guidelines, 2015. Collection method: clinical testing. Allele origin: germline. Affected: yes.
Comment: Absent from controls (or at extremely low frequency if recessive) in Genome Aggregation Database, Exome Sequencing Project, 1000 Genomes Project, or Exome Aggregation Consortium.;For recessive disorders, detected in trans with a pathogenic variant.;Well-established in vitro or in vivo functional studies supportive of a damaging effect on the gene or gene product.;Multiple lines of computational evidence support a deleterious effect on the gene or gene product (conservation, evolutionary, splicing impact, etc).

Soonchunhyang University Bucheon Hospital, Soonchunhyang University Medical Center
Classification: Uncertain significance for Familial hypokalemia-hypomagnesemia. Last evaluated: 2016-03-18. Review status: flagged submission. Criteria: ACMG Guidelines, 2015. Collection method: reference population. Allele origin: germline. Observed: 1 variant allele. Not counted in ClinVar's aggregate classification.
ClinVar note: Reason: Outlier claim with insufficient supporting evidence

Literature cited by the submitters: PubMed 12911530 (cited by 3 submitters); PubMed 33328404 (cited by Dasa); PubMed 30596175 (cited by Dasa); PubMed 26770037 (cited by 3billion and Labcorp Genetics (formerly Invitae), Labcorp); PubMed 10616841 (cited by 4 submitters); PubMed 21628937 (cited by 4 submitters); PubMed 16471174 (cited by 4 submitters); PubMed 22009145 (cited by 3billion); PubMed 15069170 (cited by 4 submitters); PubMed 21757836 (cited by 4 submitters); PubMed 19508680 (cited by Natera, Inc.); PubMed 26041598 (cited by Labcorp Genetics (formerly Invitae), Labcorp and Illumina Laboratory Services, Illumina); PubMed 15198479 (cited by Illumina Laboratory Services, Illumina and Athena Diagnostics); PubMed 27173320 (cited by Illumina Laboratory Services, Illumina); PubMed 23756661 (cited by Illumina Laboratory Services, Illumina); PubMed 22802996 (cited by Illumina Laboratory Services, Illumina); PubMed 17873326 (cited by Illumina Laboratory Services, Illumina and Athena Diagnostics); PubMed 19489442 (cited by Athena Diagnostics).

NM_001126108.2(SLC12A3):c.2546T>A (p.Leu849His)

Gene: SLC12A3 (solute carrier family 12 member 3; plus strand). Cytogenetic location: 16q13.
Variant type: single nucleotide variant.
Coding change: c.2546T>A on transcript NM_001126108.2 (MANE Select); coding-DNA position 2546, T replaced by A.
Protein change: p.Leu849His; replaces leucine 849 with histidine.
Molecular consequence: missense variant.
Genome position (GRCh38, 1-based): chr16:56,894,555, T>A. VCF-style: chr16-56894555-T-A. GRCh37 (hg19) VCF-style: chr16-56928467-T-A.
Other names: c.2573T>A, p.Leu858His (NM_000339.3); c.2570T>A, p.Leu857His (NM_001126107.2); short protein forms L858H, L857H, L849H.
Identifiers: ClinVar variation 225470 (VCV000225470.32), dbSNP rs185927948, ClinGen allele CA8069962.